The following is an entry in ClinVar:

ClinVar aggregate classification (germline): Benign. Review status: criteria provided, multiple submitters, no conflicts (2 of 4 stars). 3 submissions from 3 submitters: Benign (2). 1 of the submissions does not count toward it. Last evaluated 2019-12-31.

Allele frequency attached by ClinVar (database versions not stated): ExAC 0.00639; TOPMed 0.02083; gnomAD exomes 0.00523 and 0.00189; 1000 Genomes Project 0.01775; ESP Exome Variant Server 0.02234; gnomAD 0.01884 and 0.01741; 1000 Genomes Project 30x 0.01977.
gnomAD v4.1: 4,128 of 1,209,451 alleles (0.34%); highest among the groups gnomAD compares: African/African-American, 6.2%; 85 homozygotes.

Submissions (3):

Labcorp Genetics (formerly Invitae), Labcorp
Classification: Benign. Last evaluated: 2019-12-31. Review status: criteria provided, single submitter. Criteria: Invitae Variant Classification Sherloc (09022015). Collection method: clinical testing. Allele origin: germline.

Breakthrough Genomics
Classification: Benign. Review status: criteria provided, single submitter. Criteria: ACMG Guidelines, 2015. Collection method: not provided. Allele origin: germline. Inheritance: X-linked inheritance. Affected: yes.

Genetic Services Laboratory, University of Chicago
Classification: Likely benign for AllHighlyPenetrant. Review status: no assertion criteria provided. Collection method: clinical testing. Allele origin: germline. Inheritance: X-linked inheritance. Not counted in ClinVar's aggregate classification.
Comment: Likely benign based on allele frequency in 1000 Genomes Project or ESP global frequency and its presence in a patient with a rare or unrelated disease phenotype. NOT Sanger confirmed.

NM_001415.4(EIF2S3):c.1266C>T (p.Ala422=)

Gene: EIF2S3 (eukaryotic translation initiation factor 2 subunit gamma; plus strand). Cytogenetic location: Xp22.11.
Variant type: single nucleotide variant.
Coding change: c.1266C>T on transcript NM_001415.4 (MANE Select); coding-DNA position 1266, C replaced by T.
Protein change: p.Ala422=; no amino-acid change (alanine 422 retained).
Molecular consequence: synonymous variant.
Genome position (GRCh38, 1-based): chrX:24,073,174, C>T. VCF-style: chrX-24073174-C-T. GRCh37 (hg19) VCF-style: chrX-24091291-C-T.
Identifiers: ClinVar variation 128992 (VCV000128992.11), dbSNP rs11548543, ClinGen allele CA152725.